The following is an entry in ClinVar:

ClinVar aggregate classification (germline): Likely benign (1 of 4 stars; one submission).

Allele frequency attached by ClinVar (database versions not stated): gnomAD exomes 0.00018; TOPMed 0.00019; gnomAD 0.00021; ExAC 0.00029; 1000 Genomes Project 0.00080; 1000 Genomes Project 30x 0.00094.

Submission:

CeGaT Center for Human Genetics Tuebingen
Classification: Likely benign. Last evaluated: 2022-12-01. Review status: criteria provided, single submitter. Criteria: CeGaT Center For Human Genetics Tuebingen Variant Classification Criteria Version 2. Collection method: clinical testing. Allele origin: germline. Affected: yes. Observed: 1 variant allele.
Comment: C16orf96: BP4, BP7

NM_001145011.2(C16orf96):c.93C>T (p.His31=)

Gene: C16orf96 (chromosome 16 open reading frame 96; plus strand). Cytogenetic location: 16p13.3.
Variant type: single nucleotide variant.
Coding change: c.93C>T on transcript NM_001145011.2 (MANE Select); coding-DNA position 93, C replaced by T.
Protein change: p.His31=; no amino-acid change (histidine 31 retained).
Molecular consequence: synonymous variant.
Genome position (GRCh38, 1-based): chr16:4,556,582, C>T. VCF-style: chr16-4556582-C-T. GRCh37 (hg19) VCF-style: chr16-4606583-C-T.
Other names: c.93C>T, p.His31= (NM_001387219.1).
Identifiers: ClinVar variation 2646149 (VCV002646149.24), dbSNP rs559797039, ClinGen allele CA7877153.